The following is an entry in ClinVar:

ClinVar aggregate classification (germline): Uncertain significance (1 of 4 stars; one submission).

Submission:

Labcorp Genetics (formerly Invitae), Labcorp
Classification: Uncertain significance. Last evaluated: 2023-08-04. Review status: criteria provided, single submitter. Criteria: Invitae Variant Classification Sherloc (09022015). Collection method: clinical testing. Allele origin: germline.
Comment: This sequence change replaces isoleucine, which is neutral and non-polar, with phenylalanine, which is neutral and non-polar, at codon 859 of the PDE6A protein (p.Ile859Phe). This variant is not present in population databases (gnomAD no frequency). This variant has not been reported in the literature in individuals affected with PDE6A-related conditions. ClinVar contains an entry for this variant (Variation ID: 2130347). An algorithm developed to predict the effect of missense changes on protein structure and function (PolyPhen-2) suggests that this variant is likely to be tolerated. In summary, the available evidence is currently insufficient to determine the role of this variant in disease. Therefore, it has been classified as a Variant of Uncertain Significance.

NM_000440.3(PDE6A):c.2575A>T (p.Ile859Phe)

Gene: PDE6A (phosphodiesterase 6A; minus strand). Cytogenetic location: 5q32.
Variant type: single nucleotide variant.
Coding change: c.2575A>T on transcript NM_000440.3 (MANE Select); coding-DNA position 2575, A replaced by T.
Protein change: p.Ile859Phe; replaces isoleucine 859 with phenylalanine.
Molecular consequence: missense variant.
Genome position (GRCh38, 1-based): chr5:149,860,903, T>A on the plus strand (A>T on the coding strand, the complement: PDE6A is on the minus strand). VCF-style: chr5-149860903-T-A. GRCh37 (hg19) VCF-style: chr5-149240466-T-A.
Other names: c.2332A>T, p.Ile778Phe (NM_001410788.1); short protein forms I778F, I859F.
Identifiers: ClinVar variation 2130347 (VCV002130347.4), dbSNP rs2480410926, ClinGen allele CA361708379.